The following is an entry in ClinVar:

ClinVar aggregate classification (germline): Uncertain significance (1 of 4 stars; one submission).

Allele frequency attached by ClinVar (database versions not stated): gnomAD exomes below 0.00001.

Submission:

Labcorp Genetics (formerly Invitae), Labcorp
Classification: Uncertain significance. Last evaluated: 2023-06-10. Review status: criteria provided, single submitter. Criteria: Invitae Variant Classification Sherloc (09022015). Collection method: clinical testing. Allele origin: germline.
Comment: In summary, the available evidence is currently insufficient to determine the role of this variant in disease. Therefore, it has been classified as a Variant of Uncertain Significance. Advanced modeling of protein sequence and biophysical properties (such as structural, functional, and spatial information, amino acid conservation, physicochemical variation, residue mobility, and thermodynamic stability) performed at Invitae indicates that this missense variant is not expected to disrupt SIX5 protein function. This variant has not been reported in the literature in individuals affected with SIX5-related conditions. This variant is not present in population databases (gnomAD no frequency). This sequence change replaces alanine, which is neutral and non-polar, with valine, which is neutral and non-polar, at codon 535 of the SIX5 protein (p.Ala535Val).

NM_175875.5(SIX5):c.1604C>T (p.Ala535Val)

Gene: SIX5 (SIX homeobox 5; minus strand). Cytogenetic location: 19q13.32.
Variant type: single nucleotide variant.
Coding change: c.1604C>T on transcript NM_175875.5 (MANE Select); coding-DNA position 1604, C replaced by T.
Protein change: p.Ala535Val; replaces alanine 535 with valine.
Molecular consequence: missense variant.
Genome position (GRCh38, 1-based): chr19:45,766,355, G>A on the plus strand (C>T on the coding strand, the complement: SIX5 is on the minus strand). VCF-style: chr19-45766355-G-A. GRCh37 (hg19) VCF-style: chr19-46269613-G-A.
Other names: short protein forms A535V.
Identifiers: ClinVar variation 2856690 (VCV002856690.3), dbSNP rs2513599767, ClinGen allele CA406417259.